The following is an entry in ClinVar:

ClinVar aggregate classification (germline): Uncertain significance. Review status: criteria provided, multiple submitters, no conflicts (2 of 4 stars). 2 submissions from 2 submitters: Uncertain significance (2). Last evaluated 2025-02-03.

Conditions:
Hereditary cancer-predisposing syndrome. Also called: Hereditary neoplastic syndrome; Hereditary Cancer Syndrome; Neoplastic Syndromes, Hereditary; Tumor predisposition. Identifiers: Orphanet 140162, MedGen C0027672, MeSH D009386, MONDO:0015356.
Birt-Hogg-Dube syndrome. Also called: Birt Hogg Dubé syndrome. Identifiers: Orphanet 122, MedGen C0346010, MONDO:0800444.

Submissions (2):

Ambry Genetics
Classification: Uncertain significance for Hereditary cancer-predisposing syndrome. Last evaluated: 2025-02-03. Review status: criteria provided, single submitter. Criteria: Ambry Variant Classification Scheme 2023. Collection method: clinical testing. Allele origin: germline.
Comment: The p.A304T variant (also known as c.910G>A), located in coding exon 6 of the FLCN gene, results from a G to A substitution at nucleotide position 910. The alanine at codon 304 is replaced by threonine, an amino acid with similar properties. This amino acid position is conserved. In addition, this alteration is predicted to be tolerated by in silico analysis. Based on the available evidence, the clinical significance of this variant remains unclear.

Labcorp Genetics (formerly Invitae), Labcorp
Classification: Uncertain significance for Birt-Hogg-Dube syndrome. Last evaluated: 2023-02-01. Review status: criteria provided, single submitter. Criteria: Invitae Variant Classification Sherloc (09022015). Collection method: clinical testing. Allele origin: germline.
Comment: In summary, the available evidence is currently insufficient to determine the role of this variant in disease. Therefore, it has been classified as a Variant of Uncertain Significance. Advanced modeling of protein sequence and biophysical properties (such as structural, functional, and spatial information, amino acid conservation, physicochemical variation, residue mobility, and thermodynamic stability) performed at Invitae indicates that this missense variant is not expected to disrupt FLCN protein function. This variant has not been reported in the literature in individuals affected with FLCN-related conditions. This variant is not present in population databases (gnomAD no frequency). This sequence change replaces alanine, which is neutral and non-polar, with threonine, which is neutral and polar, at codon 304 of the FLCN protein (p.Ala304Thr).

NM_144997.7(FLCN):c.910G>A (p.Ala304Thr)

Gene: FLCN (folliculin; minus strand). Cytogenetic location: 17p11.2.
Variant type: single nucleotide variant.
Coding change: c.910G>A on transcript NM_144997.7 (MANE Select); coding-DNA position 910, G replaced by A.
Protein change: p.Ala304Thr; replaces alanine 304 with threonine.
Molecular consequence: missense variant.
Genome position (GRCh38, 1-based): chr17:17,219,171, C>T on the plus strand (G>A on the coding strand, the complement: FLCN is on the minus strand). VCF-style: chr17-17219171-C-T. GRCh37 (hg19) VCF-style: chr17-17122485-C-T.
Other names: c.964G>A, p.Ala322Thr (NM_001353229.2); c.910G>A, p.Ala304Thr (NM_001353230.2, NM_001353231.2); short protein forms A304T, A322T.
Identifiers: ClinVar variation 3010640 (VCV003010640.4), dbSNP rs2544196769, ClinGen allele CA398533026.
Genomic context (GRCh38, chr17:17,219,171, plus strand): 5'-GGGTCAGCTCCCGCCCTTCTGTACTCTCTGGCAACACAGGGGCTTTCTCCTCCTCTTCAG[C>T]CTCAGAGTTGTCCCAGCTTTCTGATTCCTCTTCTAAATCTGCAAGACAGATGACAAGGAC-3'
Protein context (NP_659434.2, residues 294-314): EESESWDNSE[Ala304Thr]EEEEKAPVLP